The following is an entry in ClinVar:

ClinVar aggregate classification (germline): Benign. Review status: criteria provided, multiple submitters, no conflicts (2 of 4 stars). 4 submissions from 4 submitters: Benign (4). Last evaluated 2024-07-31.

Conditions:
Dyskinesia with orofacial involvement, autosomal dominant (DSKOD). Also called: Familial dyskinesia and facial myokymia; Familial Dyskinesia with Facial Myokymia (FDFM); Dyskinesia, familial, with facial myokymia. Identifiers: Orphanet 324588, MedGen C1847627, MONDO:0800028, OMIM 606703.

Allele frequency attached by ClinVar (database versions not stated): 1000 Genomes Project 30x 0.99578; 1000 Genomes Project 0.99621; TOPMed 0.99638; gnomAD 0.99651 and 0.99671.
gnomAD v4.1: 1,073,742 of 1,074,562 alleles (100%); highest among the groups gnomAD compares: Middle Eastern, 100%; 536,470 homozygotes.

Submissions (4):

Unidad de Genómica Garrahan, Hospital de Pediatría Garrahan
Classification: Benign. Last evaluated: 2024-07-31. Review status: criteria provided, single submitter. Criteria: ACMG Guidelines, 2015. Collection method: clinical testing. Allele origin: germline. Affected: no. Observed: 74 variant alleles.
Comment: This variant is classified as Benign based on local population frequency. This variant was detected in 80% of patients studied in a panel designed for Epileptic and Developmental Encephalopathy, Progressive Myoclonus Epilepsy and Abnormal Movements and Neurodegeneration with brain iron accumulation. Number of patients: 74. Only high quality variants are reported.

Genome-Nilou Lab
Classification: Benign for Dyskinesia with orofacial involvement, autosomal dominant. Last evaluated: 2021-07-14. Review status: criteria provided, single submitter. Criteria: ACMG Guidelines, 2015. Collection method: clinical testing. Allele origin: germline. Affected: no.

GeneDx
Classification: Benign. Last evaluated: 2018-07-05. Review status: criteria provided, single submitter. Criteria: GeneDx Variant Classification Process June 2021. Collection method: clinical testing. Allele origin: germline. Affected: yes.

Breakthrough Genomics
Classification: Benign. Review status: criteria provided, single submitter. Criteria: ACMG Guidelines, 2015. Collection method: not provided. Allele origin: germline. Inheritance: Autosomal recessive inheritance. Affected: yes.

NM_183357.3(ADCY5):c.2257-83T>G

Gene: ADCY5 (adenylate cyclase 5; minus strand). Cytogenetic location: 3q21.1.
Variant type: single nucleotide variant.
Coding change: c.2257-83T>G on transcript NM_183357.3 (MANE Select); 83 bases into the intron before coding-DNA position 2257, T replaced by G.
Molecular consequence: intron variant.
Genome position (GRCh38, 1-based): chr3:123,318,200, A>C on the plus strand (T>G on the coding strand, the complement: ADCY5 is on the minus strand). VCF-style: chr3-123318200-A-C. GRCh37 (hg19) VCF-style: chr3-123037047-A-C.
Other names: c.2257-83T>G (NM_001378259.1); c.1207-83T>G (NM_001199642.1).
Identifiers: ClinVar variation 1189008 (VCV001189008.6), dbSNP rs4327330, ClinGen allele CA82895256.
Genomic context (GRCh38, chr3:123,318,200, plus strand): 5'-AGAGGGGCCAAGGTACCTGGCCCGGTCTGCTCCAGCCCTGTCAATCCCACACACCCAGGG[A>C]AGCCACTCATGGCTGGTCACCTGTGCAGCCCACTCCCACAACAGGGAAGACTCGAGAACC-3'